The following is an entry in ClinVar:

NM_032119.4(ADGRV1):c.7041T>G (p.Asp2347Glu)

Gene: ADGRV1 (adhesion G protein-coupled receptor V1; plus strand). Cytogenetic location: 5q14.3.
Variant type: single nucleotide variant.
Coding change: c.7041T>G on transcript NM_032119.4 (MANE Select); coding-DNA position 7041, T replaced by G.
Protein change: p.Asp2347Glu; replaces aspartic acid 2347 with glutamic acid.
Molecular consequence: missense variant. On other transcripts: non-coding transcript variant (1).
Genome position (GRCh38, 1-based): chr5:90,692,694, T>G. VCF-style: chr5-90692694-T-G. GRCh37 (hg19) VCF-style: chr5-89988511-T-G.
Other names: short protein forms D2347E.
Identifiers: ClinVar variation 2094010 (VCV002094010.1), dbSNP rs775936839, ClinGen allele CA360371348.
Genomic context (GRCh38, chr5:90,692,694, plus strand): 5'-TGGTGGAGGTACTATTGGGTTAGATCGAATTGCAAATATTATTATTCCTGCCAATGATGA[T>G]CCTTATGGTACAGTAGCCTTTGCTCAGATGGTTTATCGTGTTCAAGAGCCTCTGGAAAGA-3'
Protein context (NP_115495.3, residues 2337-2357): IANIIIPAND[Asp2347Glu]PYGTVAFAQM

ClinVar aggregate classification (germline): Uncertain significance (1 of 4 stars; one submission).

Submission:

Labcorp Genetics (formerly Invitae), Labcorp
Classification: Uncertain significance. Last evaluated: 2022-04-09. Review status: criteria provided, single submitter. Criteria: Invitae Variant Classification Sherloc (09022015). Collection method: clinical testing. Allele origin: germline.
Comment: This sequence change replaces aspartic acid, which is acidic and polar, with glutamic acid, which is acidic and polar, at codon 2347 of the ADGRV1 protein (p.Asp2347Glu). This variant is not present in population databases (gnomAD no frequency). This variant has not been reported in the literature in individuals affected with ADGRV1-related conditions. Algorithms developed to predict the effect of missense changes on protein structure and function are either unavailable or do not agree on the potential impact of this missense change (SIFT: "Deleterious"; PolyPhen-2: "Benign"; Align-GVGD: "Class C0"). In summary, the available evidence is currently insufficient to determine the role of this variant in disease. Therefore, it has been classified as a Variant of Uncertain Significance.